The following continues an entry in ClinVar:

NM_000018.4(ACADVL):c.1591C>T (p.Arg531Trp)

Gene: ACADVL. ClinVar aggregate classification (germline): Uncertain significance. Uncertain significance (1).

Submissions 8 to 16 of 16:

Blueprint Genetics
Classification: Likely pathogenic for ACADVL-related disorders. Last evaluated: 2024-07-01. Review status: criteria provided, single submitter. Criteria: ACMG Guidelines, 2015. Collection method: clinical testing. Allele origin: germline. Affected: yes. Observed: 5 variant alleles. Not counted in ClinVar's aggregate classification.

Fulgent Genetics
Classification: Likely pathogenic for Very long chain acyl-CoA dehydrogenase deficiency. Last evaluated: 2024-06-10. Review status: criteria provided, single submitter. Criteria: ACMG Guidelines, 2015. Collection method: clinical testing. Allele origin: germline. Not counted in ClinVar's aggregate classification.

Baylor Genetics
Classification: Uncertain significance for Very long chain acyl-CoA dehydrogenase deficiency. Last evaluated: 2023-12-13. Review status: criteria provided, single submitter. Criteria: ACMG Guidelines, 2015. Collection method: clinical testing. Allele origin: unknown. Not counted in ClinVar's aggregate classification.

Ambry Genetics
Classification: Likely pathogenic for Inborn genetic diseases. Last evaluated: 2022-10-25. Review status: criteria provided, single submitter. Criteria: Ambry Variant Classification Scheme 2023. Collection method: clinical testing. Allele origin: germline. Not counted in ClinVar's aggregate classification.
Comment: The c.1591C>T (p.R531W) alteration is located in exon 16 (coding exon 16) of the ACADVL gene. This alteration results from a C to T substitution at nucleotide position 1591, causing the arginine (R) at amino acid position 531 to be replaced by a tryptophan (W). Based on data from gnomAD, the T allele has an overall frequency of 0.044% (123/281458) total alleles studied. The highest observed frequency was 0.076% (98/128338) of European (non-Finnish) alleles. This variant has been detected in conjunction with multiple ACADVL variants in individuals with clinical and biochemical features of VLCAD deficiency (Hoffmann, 2012; Rovelli, 2019; Olsson, 2022). This amino acid position is not well conserved in available vertebrate species. The in silico prediction for this alteration is inconclusive. Based on the available evidence, this alteration is classified as likely pathogenic.

Mendelics
Classification: Uncertain significance. Last evaluated: 2022-05-04. Review status: criteria provided, single submitter. Criteria: Mendelics Assertion Criteria 2019. Collection method: clinical testing. Allele origin: germline. Not counted in ClinVar's aggregate classification.

ARUP Laboratories, Molecular Genetics and Genomics, ARUP Laboratories
Classification: Uncertain significance for Very long chain acyl-CoA dehydrogenase deficiency. Last evaluated: 2021-12-14. Review status: criteria provided, single submitter. Criteria: ARUP Molecular Germline Variant Investigation Process 2021. Collection method: clinical testing. Allele origin: germline. Not counted in ClinVar's aggregate classification.
Comment: The ACADVL c.1591C>T; p.Arg531Trp variant (rs146379816), also reported as p.Arg491Trp, is reported in the literature in the heterozygous state or in one case with a second variant presumed to be on the opposite chromosome in individuals affected with very long-chain acyl-CoA dehydrogenase deficiency (Adhikari 2020, Ghosh 2017, Hoffmann 2012, Rovelli 2019). This variant is also reported in ClinVar (Variation ID: 166647), and is found in the non-Finnish European population with an allele frequency of 0.076% (98/128338 alleles) in the Genome Aggregation Database. The arginine at codon 531 is moderately conserved, and computational analyses are uncertain whether this variant is neutral or deleterious (REVEL: 0.522). Due the limited amount of clinical and functional data, the significance of the p.Arg531Trp variant is uncertain at this time. References: Adhikari A et al. The role of exome sequencing in newborn screening for inborn errors of metabolism. Nat Med. 2020 Sep;26(9):1392-1397. PMID: 32778825. Ghosh A et al. Diagnosing childhood-onset inborn errors of metabolism by next-generation sequencing. Arch Dis Child. 2017 Nov;102(11):1019-1029. PMID: 28468868. Hoffmann L et al. VLCAD enzyme activity determinations in newborns identified by screening: a valuable tool for risk assessment. J Inherit Metab Dis. 2012 Mar;35(2):269-77. PMID: 21932095. Rovelli V et al. Clinical and biochemical outcome of patients with very long-chain acyl-CoA dehydrogenase deficiency. Mol Genet Metab. 2019 May;127(1):64-73. PMID: 31031081.

Wong Mito Lab, Molecular and Human Genetics, Baylor College of Medicine
Classification: Likely pathogenic for Very long chain acyl-CoA dehydrogenase deficiency. Last evaluated: 2019-11-01. Review status: criteria provided, single submitter. Criteria: ACMG Guidelines, 2015. Collection method: clinical testing. Allele origin: germline. Not counted in ClinVar's aggregate classification.
Comment: The NM_000018.3:c.1591C>T (NP_000009.1:p.Arg531Trp) [GRCH38: NC_000017.11:g.7224379C>T] variant in ACADVL gene is interpretated to be Likely Pathogenic based on ACMG guidelines (PMID: 25741868). This variant has been reported. This variant meets the following evidence codes reported in the ACMG guidelines: PS3, PM3, PP3, PP4

Eurofins Ntd Llc (ga)
Classification: Uncertain significance. Last evaluated: 2013-11-25. Review status: criteria provided, single submitter. Criteria: EGL Classification Definitions 2015. Collection method: clinical testing. Allele origin: germline. Observed: 1 variant allele, 1 heterozygote. Not counted in ClinVar's aggregate classification.

Natera, Inc.
Classification: Uncertain significance for Very long chain acyl-CoA dehydrogenase deficiency. Last evaluated: 2020-09-16. Review status: no assertion criteria provided. Collection method: clinical testing. Allele origin: germline. Not counted in ClinVar's aggregate classification.

Literature cited by the submitters: PubMed 21932095 (cited by 5 submitters); PubMed 31031081 (cited by 4 submitters); PubMed 27209629 (cited by Labcorp Genetics (formerly Invitae), Labcorp); PubMed 35281659 (cited by 3 submitters); PubMed 28468868 (cited by Women's Health and Genetics/Laboratory Corporation of America, LabCorp); PubMed 26385305 (cited by Women's Health and Genetics/Laboratory Corporation of America, LabCorp); PubMed 32778825 (cited by Women's Health and Genetics/Laboratory Corporation of America, LabCorp); PubMed 34437764 (cited by Women's Health and Genetics/Laboratory Corporation of America, LabCorp); PubMed 9599005 (cited by Ambry Genetics); PubMed 18227065 (cited by Ambry Genetics); PubMed 25087612 (cited by Wong Mito Lab, Molecular and Human Genetics, Baylor College of Medicine).